The following is an entry in ClinVar:

NM_144573.4(NEXN):c.1535_1537dup (p.Asn512_Met513insAsn)

Gene: NEXN (nexilin F-actin binding protein; plus strand). Cytogenetic location: 1p31.1.
Variant type: Duplication.
Coding change: c.1535_1537dup on transcript NM_144573.4 (MANE Select); coding-DNA positions 1535 to 1537, 3 bases duplicated (ATA; older notation c.1535_1537dupATA).
Protein change: p.Asn512_Met513insAsn.
Molecular consequence: inframe insertion.
Genome position (GRCh38, 1-based): chr1:77,942,084-77,942,086, ATA duplicated; duplicating any 3 consecutive bases within chr1:77,942,083-77,942,086 gives the same sequence; the c. name uses the placement nearest the transcript's 3' end. VCF-style (leftmost placement, unchanged base first): chr1-77942082-G-GAAT. GRCh37 (hg19) VCF-style: chr1-78407767-G-GAAT.
Other names: c.1343_1345dup, p.Asn448_Met449insAsn (NM_001172309.2).
Identifiers: ClinVar variation 2127868 (VCV002127868.2), dbSNP rs2523301767, ClinGen allele CA2580063252.

ClinVar aggregate classification (germline): Uncertain significance (1 of 4 stars; one submission).

Conditions:
Hypertrophic cardiomyopathy 20. Identifiers: MedGen C3151267, MONDO:0013477, OMIM 613876.
Dilated cardiomyopathy 1CC (CMD1CC). Identifiers: Orphanet 154, MedGen C2751084, MONDO:0013147, OMIM 613122.

Submission:

Labcorp Genetics (formerly Invitae), Labcorp
Classification: Uncertain significance for Dilated cardiomyopathy 1CC; Hypertrophic cardiomyopathy 20. Last evaluated: 2024-07-09. Review status: criteria provided, single submitter. Criteria: Invitae Variant Classification Sherloc (09022015). Collection method: clinical testing. Allele origin: germline.
Comment: This variant, c.1535_1537dup, results in the insertion of 1 amino acid(s) of the NEXN protein (p.Asn512dup), but otherwise preserves the integrity of the reading frame. This variant is not present in population databases (gnomAD no frequency). This variant has not been reported in the literature in individuals affected with NEXN-related conditions. Experimental studies and prediction algorithms are not available or were not evaluated, and the functional significance of this variant is currently unknown. In summary, the available evidence is currently insufficient to determine the role of this variant in disease. Therefore, it has been classified as a Variant of Uncertain Significance.